The following is an entry in ClinVar:

NM_000554.6(CRX):c.329del (p.Gly110fs)

Gene: CRX (cone-rod homeobox; plus strand). Cytogenetic location: 19q13.33.
Variant type: Deletion.
Coding change: c.329del on transcript NM_000554.6 (MANE Select); coding-DNA position 329, one base deleted (G; older notation c.329delG).
Protein change: p.Gly110fs; shifts the reading frame from glycine 110.
Molecular consequence: frameshift variant.
Genome position (GRCh38, 1-based): chr19:47,839,396, G deleted; the last of 5 consecutive G bases (chr19:47,839,392-47,839,396); deleting any one gives the same sequence. VCF-style (leftmost placement, unchanged base first): chr19-47839391-AG-A. GRCh37 (hg19) VCF-style: chr19-48342648-AG-A.
Other names: short protein forms G110fs.
Identifiers: ClinVar variation 3748492 (VCV003748492.2).

ClinVar aggregate classification (germline): Pathogenic (1 of 4 stars; one submission).

Conditions:
Leber congenital amaurosis 7 (LCA7). Identifiers: Orphanet 65, MedGen C3151192, MONDO:0013449, OMIM 613829.
Cone-rod dystrophy 2 (CORD2). Also called: CONE-ROD RETINAL DYSTROPHY; Cone-rod retinal dystrophy 2. Identifiers: Orphanet 1872, MedGen C3489532, MONDO:0007362, OMIM 120970.

Submission:

Labcorp Genetics (formerly Invitae), Labcorp
Classification: Pathogenic for Cone-rod dystrophy 2; Leber congenital amaurosis 7. Last evaluated: 2024-12-10. Review status: criteria provided, single submitter. Criteria: Invitae Variant Classification Sherloc (09022015). Collection method: clinical testing. Allele origin: germline.
Comment: This sequence change creates a premature translational stop signal (p.Gly110Alafs*77) in the CRX gene. While this is not anticipated to result in nonsense mediated decay, it is expected to disrupt the last 190 amino acid(s) of the CRX protein. This variant is present in population databases (rs761108522, gnomAD 0.0009%). This premature translational stop signal has been observed in individual(s) with cone-rod dystrophy (PMID: 35260635). This variant disrupts a region of the CRX protein in which other variant(s) (p.Tyr258*) have been determined to be pathogenic (PMID: 22968130, 25270190). This suggests that this is a clinically significant region of the protein, and that variants that disrupt it are likely to be disease-causing. For these reasons, this variant has been classified as Pathogenic.

Literature cited by the submitters: PubMed 35260635; PubMed 22968130; PubMed 25270190.